The following is an entry in ClinVar:

ClinVar aggregate classification (germline): Likely benign (0 of 4 stars; one submission).

Conditions:
IFT74-related disorder. Also called: IFT74-related condition; IFT74-Related Disorders.

Submission:

PreventionGenetics, part of Exact Sciences
Classification: Likely benign for IFT74-related condition. Last evaluated: 2024-08-07. Review status: no assertion criteria provided. Collection method: clinical testing. Allele origin: germline.
Comment: This variant is classified as likely benign based on ACMG/AMP sequence variant interpretation guidelines (Richards et al. 2015 PMID: 25741868, with internal and published modifications).

NM_025103.4(IFT74):c.315A>C (p.Ile105=)

Gene: IFT74 (intraflagellar transport 74; plus strand). Cytogenetic location: 9p21.2.
Variant type: single nucleotide variant.
Coding change: c.315A>C on transcript NM_025103.4 (MANE Select); coding-DNA position 315, A replaced by C.
Protein change: p.Ile105=; no amino-acid change (isoleucine 105 retained).
Molecular consequence: synonymous variant.
Genome position (GRCh38, 1-based): chr9:26,984,266, A>C. VCF-style: chr9-26984266-A-C. GRCh37 (hg19) VCF-style: chr9-26984264-A-C.
Other names: c.315A>C, p.Ile105= (NM_001099222.3, NM_001099223.3, NM_001099224.3 and 1 more transcripts).
Identifiers: ClinVar variation 3347818 (VCV003347818.1).